The following is an entry in ClinVar:

ClinVar aggregate classification (germline): Uncertain significance (1 of 4 stars; one submission).

Submission:

CeGaT Center for Human Genetics Tuebingen
Classification: Uncertain significance. Last evaluated: 2022-04-01. Review status: criteria provided, single submitter. Criteria: CeGaT Center For Human Genetics Tuebingen Variant Classification Criteria Version 2. Collection method: clinical testing. Allele origin: germline. Affected: yes. Observed: 1 variant allele.
Comment: CLTCL1: PM2

NM_007098.4(CLTCL1):c.4191+2dup

Gene: CLTCL1 (clathrin heavy chain like 1; minus strand). Cytogenetic location: 22q11.21.
Variant type: Duplication.
Coding change: c.4191+2dup on transcript NM_007098.4 (MANE Select); the canonical splice donor site of the intron after coding-DNA position 4191, one base duplicated (T; older notation c.4191+2dupT).
Molecular consequence: splice donor variant.
Genome position (GRCh38, 1-based): chr22:19,196,264, A duplicated on the plus strand (T on the coding strand, the reverse complement: CLTCL1 is on the minus strand). VCF-style (leftmost placement, unchanged base first): chr22-19196263-T-TA. GRCh37 (hg19) VCF-style: chr22-19183774-T-TA.
Other names: c.4191+2dup (NM_001835.4).
Identifiers: ClinVar variation 2652858 (VCV002652858.24), dbSNP rs2517428823, ClinGen allele CA2695200058.